The following is an entry in ClinVar:

NM_004369.4(COL6A3):c.1268C>T (p.Ala423Val)

Gene: COL6A3 (collagen type VI alpha 3 chain; minus strand). Cytogenetic location: 2q37.3.
Variant type: single nucleotide variant.
Coding change: c.1268C>T on transcript NM_004369.4 (MANE Select); coding-DNA position 1268, C replaced by T.
Protein change: p.Ala423Val; replaces alanine 423 with valine.
Molecular consequence: missense variant. On other transcripts: intron variant (2).
Genome position (GRCh38, 1-based): chr2:237,387,626, G>A on the plus strand (C>T on the coding strand, the complement: COL6A3 is on the minus strand). VCF-style: chr2-237387626-G-A. GRCh37 (hg19) VCF-style: chr2-238296269-G-A.
Other names: c.650C>T, p.Ala217Val (NM_057165.5, NM_057167.4); c.92-6127C>T (NM_057166.5, NM_057164.5); c.1268C>T (NM_004369.3); short protein forms A217V, A423V.
Identifiers: ClinVar variation 1004320 (VCV001004320.11), dbSNP rs181264679, ClinGen allele CA2189670.
Genomic context (GRCh38, chr2:237,387,626, plus strand): 5'-AGAAGAGGATACATACCTTGTGTGACAATGGTTGGCGGTTTCAAGACAATGTGCCTTTGG[G>A]CCACGCCAACAATGTACGGCAGTAATTTCTCCTGGAGGTCCCCAAAGCTACGGAATTCCG-3'
Protein context (NP_004360.2, residues 413-433): EKLLPYIVGV[Ala423Val]QRHIVLKPPT

ClinVar aggregate classification (germline): Conflicting classifications of pathogenicity. Review status: criteria provided, conflicting classifications (1 of 4 stars). 5 submissions from 5 submitters: Uncertain significance (4); Likely benign (1). Last evaluated 2025-09-11.

Conditions:
Inborn genetic diseases. Identifiers: MedGen C0950123, MeSH D030342.
Bethlem myopathy 1A. Also called: Bethlem Muscular Dystrophy; MYOPATHY, BENIGN CONGENITAL, WITH CONTRACTURES; Bethlem myopathy 1. Identifiers: Orphanet 610, MedGen CN029274, MONDO:0024530, OMIM 158810.
Dystonia 27 (DYT27). Identifiers: Orphanet 464440, MedGen C4225336, MONDO:0014627, OMIM 616411.
Ullrich congenital muscular dystrophy 1A. Also called: Intermediate COL6-RD; Ullrich congenital muscular dystrophy 1. Identifiers: Orphanet 75840, MedGen C0410179, MONDO:0009681, OMIM 254090.

Allele frequency attached by ClinVar (database versions not stated): TOPMed below 0.00001; gnomAD 0.00001 and 0.00002; gnomAD exomes 0.00001 and 0.00004; ExAC 0.00004; 1000 Genomes Project 0.00020; 1000 Genomes Project 30x 0.00031.
gnomAD v4.1: 14 of 1,613,778 alleles (0.00087%); highest among the groups gnomAD compares: Admixed American, 0.01%; no homozygotes.

Submissions (5):

Labcorp Genetics (formerly Invitae), Labcorp
Classification: Likely benign for Bethlem myopathy 1A. Last evaluated: 2025-09-11. Review status: criteria provided, single submitter. Criteria: Invitae Variant Classification Sherloc (09022015). Collection method: clinical testing. Allele origin: germline.

Revvity Omics, Revvity
Classification: Uncertain significance. Last evaluated: 2024-06-13. Review status: criteria provided, single submitter. Criteria: ACMG Guidelines, 2015. Collection method: clinical testing. Allele origin: germline.

GeneDx
Classification: Uncertain significance. Last evaluated: 2022-07-08. Review status: criteria provided, single submitter. Criteria: GeneDx Variant Classification Process June 2021. Collection method: clinical testing. Allele origin: germline. Affected: yes.
Comment: In silico analysis supports that this missense variant does not alter protein structure/function; Has not been previously published as pathogenic or benign to our knowledge

Fulgent Genetics
Classification: Uncertain significance for Bethlem myopathy 1A; Ullrich congenital muscular dystrophy 1A; Dystonia 27. Last evaluated: 2022-01-17. Review status: criteria provided, single submitter. Criteria: ACMG Guidelines, 2015. Collection method: clinical testing. Allele origin: unknown.

Ambry Genetics
Classification: Uncertain significance for Inborn genetic diseases. Last evaluated: 2021-07-26. Review status: criteria provided, single submitter. Criteria: Ambry Variant Classification Scheme 2023. Collection method: clinical testing. Allele origin: germline.